The following is an entry in ClinVar:

ClinVar aggregate classification (germline): Pathogenic/Likely pathogenic. Review status: criteria provided, multiple submitters, no conflicts (2 of 4 stars). 3 submissions from 3 submitters: Pathogenic (1); Likely pathogenic (1). 1 of the submissions does not count toward it. Last evaluated 2024-03-31.

Conditions:
BEST1-related disorder. Also called: BEST1-related disorders; BEST1-related condition. Identifiers: MedGen CN239200.

Submissions (3):

Labcorp Genetics (formerly Invitae), Labcorp
Classification: Likely pathogenic. Last evaluated: 2024-03-31. Review status: criteria provided, single submitter. Criteria: Invitae Variant Classification Sherloc (09022015). Collection method: clinical testing. Allele origin: germline.
Comment: This sequence change replaces glycine, which is neutral and non-polar, with serine, which is neutral and polar, at codon 135 of the BEST1 protein (p.Gly135Ser). This variant is not present in population databases (gnomAD no frequency). This missense change has been observed in individuals with autosomal dominant Best disease (PMID: 10394929, 21109774; Invitae). ClinVar contains an entry for this variant (Variation ID: 99719). Advanced modeling of protein sequence and biophysical properties (such as structural, functional, and spatial information, amino acid conservation, physicochemical variation, residue mobility, and thermodynamic stability) has been performed at Invitae for this missense variant, however the output from this modeling did not meet the statistical confidence thresholds required to predict the impact of this variant on BEST1 protein function. In summary, the currently available evidence indicates that the variant is pathogenic, but additional data are needed to prove that conclusively. Therefore, this variant has been classified as Likely Pathogenic.

Blueprint Genetics
Classification: Pathogenic for BEST1-related disorders. Last evaluated: 2022-12-29. Review status: criteria provided, single submitter. Criteria: ACMG Guidelines, 2015. Collection method: clinical testing. Allele origin: germline. Affected: yes. Observed: 5 variant alleles.

Retina International
No classification provided. Review status: no classification provided. Collection method: not provided. Allele origin: not provided. Not counted in ClinVar's aggregate classification.

Literature cited by the submitters: PubMed 10394929 (cited by Labcorp Genetics (formerly Invitae), Labcorp); PubMed 21109774 (cited by Labcorp Genetics (formerly Invitae), Labcorp).

NM_004183.4(BEST1):c.403G>A (p.Gly135Ser)

Gene: BEST1 (bestrophin 1; plus strand). Cytogenetic location: 11q12.3.
Variant type: single nucleotide variant.
Coding change: c.403G>A on transcript NM_004183.4 (MANE Select); coding-DNA position 403, G replaced by A.
Protein change: p.Gly135Ser; replaces glycine 135 with serine.
Molecular consequence: missense variant. On other transcripts: non-coding transcript variant (1).
Genome position (GRCh38, 1-based): chr11:61,955,873, G>A. VCF-style: chr11-61955873-G-A. GRCh37 (hg19) VCF-style: chr11-61723345-G-A.
Other names: c.223G>A, p.Gly75Ser (NM_001300786.2, NM_001300787.2, NM_001139443.3); c.85G>A, p.Gly29Ser (NM_001363591.3); c.403G>A, p.Gly135Ser (NM_001363592.2); c.-773G>A (NM_001363593.3); short protein forms G135S, G29S, G75S.
Identifiers: ClinVar variation 99719 (VCV000099719.9), dbSNP rs281865234, ClinGen allele CA227776.
Genomic context (GRCh38, chr11:61,955,873, plus strand): 5'-GAAGGCAAGGACGAGCAAGGCCGGCTGCTGCGGCGCACGCTCATCCGCTACGCCAACCTG[G>A]GCAACGTGCTCATCCTGCGCAGCGTCAGCACCGCAGTCTACAAGCGCTTCCCCAGCGCCC-3'
Protein context (NP_004174.1, residues 125-145): RRTLIRYANL[Gly135Ser]NVLILRSVST